The following is an entry in ClinVar:

NM_004273.5(CHST3):c.430G>A (p.Gly144Ser)

Gene: CHST3 (carbohydrate sulfotransferase 3; plus strand). Cytogenetic location: 10q22.1.
Variant type: single nucleotide variant.
Coding change: c.430G>A on transcript NM_004273.5 (MANE Select); coding-DNA position 430, G replaced by A.
Protein change: p.Gly144Ser; replaces glycine 144 with serine.
Molecular consequence: missense variant.
Genome position (GRCh38, 1-based): chr10:72,007,461, G>A. VCF-style: chr10-72007461-G-A. GRCh37 (hg19) VCF-style: chr10-73767219-G-A.
Other names: short protein forms G144S.
Identifiers: ClinVar variation 1471445 (VCV001471445.6), dbSNP rs1360950889, ClinGen allele CA377143763.

ClinVar aggregate classification (germline): Conflicting classifications of pathogenicity. Review status: criteria provided, conflicting classifications (1 of 4 stars). 2 submissions from 2 submitters: Likely pathogenic (1); Uncertain significance (1). Last evaluated 2021-10-29.

Conditions:
Spondyloepiphyseal dysplasia with congenital joint dislocations (SEDCJD). Also called: Chondrodysplasia with Congenital Joint Dislocations, CHST3-Related. Identifiers: Orphanet 263463, MedGen C1837657, MONDO:0007738, OMIM 143095.

Allele frequency attached by ClinVar (database versions not stated): gnomAD exomes below 0.00001.

Submissions (2):

Labcorp Genetics (formerly Invitae), Labcorp
Classification: Uncertain significance for Spondyloepiphyseal dysplasia with congenital joint dislocations. Last evaluated: 2021-10-29. Review status: criteria provided, single submitter. Criteria: Invitae Variant Classification Sherloc (09022015). Collection method: clinical testing. Allele origin: germline.
Comment: In summary, the available evidence is currently insufficient to determine the role of this variant in disease. Therefore, it has been classified as a Variant of Uncertain Significance. Algorithms developed to predict the effect of missense changes on protein structure and function are either unavailable or do not agree on the potential impact of this missense change (SIFT: "Deleterious"; PolyPhen-2: "Probably Damaging"; Align-GVGD: "Class C0"). This variant has not been reported in the literature in individuals affected with CHST3-related conditions. This variant is present in population databases (no rsID available, gnomAD 0.006%). This sequence change replaces glycine, which is neutral and non-polar, with serine, which is neutral and polar, at codon 144 of the CHST3 protein (p.Gly144Ser).

Kasturba Medical College, Manipal, Kasturba Medical College, Manipal, Manipal Academy of Higher Education, Manipal, India
Classification: Likely pathogenic for Spondyloepiphyseal dysplasia with congenital joint dislocations. Review status: criteria provided, single submitter. Criteria: ACMG Guidelines, 2015. Collection method: clinical testing. Allele origin: biparental. Affected: yes.